The following is an entry in ClinVar:

NM_138413.4(HOGA1):c.*355C>T

Gene: HOGA1 (4-hydroxy-2-oxoglutarate aldolase 1; plus strand). Cytogenetic location: 10q24.2.
Variant type: single nucleotide variant.
Coding change: c.*355C>T on transcript NM_138413.4 (MANE Select); 355 bases downstream of the stop codon, C replaced by T.
Molecular consequence: 3 prime UTR variant.
Genome position (GRCh38, 1-based): chr10:97,612,014, C>T. VCF-style: chr10-97612014-C-T. GRCh37 (hg19) VCF-style: chr10-99371771-C-T.
Other names: c.*355C>T (NM_001134670.2).
Identifiers: ClinVar variation 301813 (VCV000301813.6), dbSNP rs1977642, ClinGen allele CA10636630.

ClinVar aggregate classification (germline): Benign. Review status: criteria provided, multiple submitters, no conflicts (2 of 4 stars). 2 submissions from 2 submitters: Benign (2). Last evaluated 2018-01-12.

Conditions:
Primary hyperoxaluria type 3. Also called: PH III. Identifiers: Orphanet 416, Orphanet 93600, MedGen C3150878, MONDO:0013327, OMIM 613616. Disease mechanism: loss of function.

Allele frequency attached by ClinVar (database versions not stated): gnomAD exomes 0.21280; 1000 Genomes Project 30x 0.38460; gnomAD 0.39537 and 0.40312; 1000 Genomes Project 0.40415; TOPMed 0.40866.
gnomAD v4.1: 68,610 of 196,824 alleles (35%); highest among the groups gnomAD compares: African/African-American, 58%; 14,053 homozygotes.

Submissions (2):

Illumina Laboratory Services, Illumina
Classification: Benign for Primary hyperoxaluria type 3. Last evaluated: 2018-01-12. Review status: criteria provided, single submitter. Criteria: ICSL Variant Classification Criteria 13 December 2019. Collection method: clinical testing. Allele origin: germline.
Comment: This variant was observed in the ICSL laboratory as part of a predisposition screen in an ostensibly healthy population. It had not been previously curated by ICSL or reported in the Human Gene Mutation Database (HGMD: prior to June 1st, 2018), and was therefore a candidate for classification through an automated scoring system. Utilizing variant allele frequency, disease prevalence and penetrance estimates, and inheritance mode, an automated score was calculated to assess if this variant is too frequent to cause the disease. Based on the score and internal cut-off values, a variant classified as benign is not then subjected to further curation. The score for this variant resulted in a classification of benign for this disease.

Breakthrough Genomics
Classification: Benign. Review status: criteria provided, single submitter. Criteria: ACMG Guidelines, 2015. Collection method: not provided. Allele origin: germline. Inheritance: Autosomal recessive inheritance. Affected: yes.